The following is an entry in ClinVar:

NM_000090.4(COL3A1):c.2462C>T (p.Pro821Leu)

Gene: COL3A1 (collagen type III alpha 1 chain; plus strand). Cytogenetic location: 2q32.2.
Variant type: single nucleotide variant.
Coding change: c.2462C>T on transcript NM_000090.4 (MANE Select); coding-DNA position 2462, C replaced by T.
Protein change: p.Pro821Leu; replaces proline 821 with leucine.
Molecular consequence: missense variant.
Genome position (GRCh38, 1-based): chr2:189,002,971, C>T. VCF-style: chr2-189002971-C-T. GRCh37 (hg19) VCF-style: chr2-189867697-C-T.
Other names: short protein forms P821L.
Identifiers: ClinVar variation 3074100 (VCV003074100.1), dbSNP rs1384021910, ClinGen allele CA349842734.

ClinVar aggregate classification (germline): Uncertain significance (1 of 4 stars; one submission).

Conditions:
Ehlers-Danlos syndrome, type 4 (EDSVASC). Also called: Ehlers-Danlos Syndrome Type IV; Ehlers-Danlos syndrome vascular type; Ehlers Danlos syndrome, ecchymotic type; Ehlers Danlos syndrome, arterial type; Ehlers Danlos syndrome, Sack-Barabas type. Identifiers: Orphanet 286, MedGen C0268338, MONDO:0017314, OMIM 130050.

Submission:

All of Us Research Program, National Institutes of Health
Classification: Uncertain significance for Ehlers-Danlos syndrome, type 4. Last evaluated: 2023-10-23. Review status: criteria provided, single submitter. Criteria: ACMG Guidelines, 2015. Collection method: clinical testing. Allele origin: germline. Inheritance: Autosomal dominant inheritance. Observed: 1 variant allele, 1 heterozygote.
Comment: This missense variant replaces proline with leucine at codon 821 of the COL3A1 protein. Computational prediction suggests that this variant may have deleterious impact on protein structure and function (internally defined REVEL score threshold >= 0.7, PMID: 27666373). To our knowledge, functional studies have not been reported for this variant. This variant has not been reported in individuals affected with COL3A1-related disorders in the literature. This variant has not been identified in the general population by the Genome Aggregation Database (gnomAD). The available evidence is insufficient to determine the role of this variant in disease conclusively. Therefore, this variant is classified as a Variant of Uncertain Significance.

This study involves interpretation of variants in research participants for the purpose of population health screening. Participant phenotype was not available at the time of variant classification. Additional details can be found in publication PMID: 35346344, PMCID: PMC8962531